The following is an entry in ClinVar:

NM_080552.3(SLC32A1):c.1121T>C (p.Leu374Pro)

Gene: SLC32A1 (solute carrier family 32 member 1; plus strand). Cytogenetic location: 20q11.23.
Variant type: single nucleotide variant.
Coding change: c.1121T>C on transcript NM_080552.3 (MANE Select); coding-DNA position 1121, T replaced by C.
Protein change: p.Leu374Pro; replaces leucine 374 with proline.
Molecular consequence: missense variant.
Genome position (GRCh38, 1-based): chr20:38,728,182, T>C. VCF-style: chr20-38728182-T-C. GRCh37 (hg19) VCF-style: chr20-37356825-T-C.
Other names: short protein forms L374P.
Identifiers: ClinVar variation 2500302 (VCV002500302.1), dbSNP rs2515238917, ClinGen allele CA408906418.

ClinVar aggregate classification (germline): Uncertain significance (1 of 4 stars; one submission).

Conditions:
Generalized-onset seizure. Also called: Generalized seizures. Identifiers: MedGen C0234533, HP:0002197.
Mild global developmental delay. Identifiers: MedGen C4012968, HP:0011342.
Obesity. Also called: Obesity disorder. Identifiers: Orphanet 71529, MedGen C0028754, MeSH D009765, MONDO:0011122, HP:0001513.

Submission:

Institute of Human Genetics, University of Leipzig Medical Center
Classification: Uncertain significance for Obesity; Generalized-onset seizure; Mild global developmental delay. Last evaluated: 2023-03-16. Review status: criteria provided, single submitter. Criteria: ACMG Guidelines, 2015. Collection method: clinical testing. Allele origin: unknown. Affected: yes.
Comment: _x000D_ Criteria applied: PM1, PM2_SUP, PP3